The following is an entry in ClinVar:

ClinVar aggregate classification (germline): Conflicting classifications of pathogenicity. Review status: criteria provided, conflicting classifications (1 of 4 stars). 2 submissions from 2 submitters: Uncertain significance (1); Likely benign (1). Last evaluated 2024-12-08.

Conditions:
Hereditary cancer-predisposing syndrome. Also called: Neoplastic Syndromes, Hereditary; Tumor predisposition; Hereditary Cancer Syndrome; Hereditary neoplastic syndrome. Identifiers: Orphanet 140162, MedGen C0027672, MeSH D009386, MONDO:0015356.
Familial cancer of breast. Also called: BREAST CANCER, FAMILIAL; hereditary breast carcinoma; Hereditary breast cancer. Identifiers: Orphanet 227535, MedGen C0346153, MONDO:0016419, OMIM 114480. Disease mechanism: loss of function.

Submissions (2):

Ambry Genetics
Classification: Likely benign for Hereditary cancer-predisposing syndrome. Last evaluated: 2024-12-08. Review status: criteria provided, single submitter. Criteria: Ambry Variant Classification Scheme 2023. Collection method: clinical testing. Allele origin: germline.

Labcorp Genetics (formerly Invitae), Labcorp
Classification: Uncertain significance for Familial cancer of breast. Last evaluated: 2022-10-03. Review status: criteria provided, single submitter. Criteria: Invitae Variant Classification Sherloc (09022015). Collection method: clinical testing. Allele origin: germline.
Comment: Algorithms developed to predict the effect of missense changes on protein structure and function are either unavailable or do not agree on the potential impact of this missense change (SIFT: "Tolerated"; PolyPhen-2: "Possibly Damaging"; Align-GVGD: "Class C0"). In summary, the available evidence is currently insufficient to determine the role of this variant in disease. Therefore, it has been classified as a Variant of Uncertain Significance. ClinVar contains an entry for this variant (Variation ID: 460727). This variant has not been reported in the literature in individuals affected with BARD1-related conditions. This variant is not present in population databases (gnomAD no frequency). This sequence change replaces asparagine, which is neutral and polar, with isoleucine, which is neutral and non-polar, at codon 626 of the BARD1 protein (p.Asn626Ile).

NM_000465.4(BARD1):c.1877A>T (p.Asn626Ile)

Gene: BARD1 (BRCA1 associated RING domain 1; minus strand). Cytogenetic location: 2q35.
Variant type: single nucleotide variant.
Coding change: c.1877A>T on transcript NM_000465.4 (MANE Select); coding-DNA position 1877, A replaced by T.
Protein change: p.Asn626Ile; replaces asparagine 626 with isoleucine.
Molecular consequence: missense variant. On other transcripts: non-coding transcript variant (3), intron variant (1).
Genome position (GRCh38, 1-based): chr2:214,745,093, T>A on the plus strand (A>T on the coding strand, the complement: BARD1 is on the minus strand). VCF-style: chr2-214745093-T-A. GRCh37 (hg19) VCF-style: chr2-215609817-T-A.
Other names: c.1820A>T, p.Asn607Ile (NM_001282543.2); c.524A>T, p.Asn175Ile (NM_001282545.2); c.467A>T, p.Asn156Ile (NM_001282548.2); c.365-14585A>T (NM_001282549.2); c.1877A>T (NM_000465.2); short protein forms N626I, N175I, N607I, N156I.
Identifiers: ClinVar variation 460727 (VCV000460727.10), dbSNP rs587781443, ClinGen allele CA350452102.